The following is an entry in ClinVar:

ClinVar aggregate classification (germline): Pathogenic (1 of 4 stars; one submission).

Submission:

Labcorp Genetics (formerly Invitae), Labcorp
Classification: Pathogenic. Last evaluated: 2023-09-10. Review status: criteria provided, single submitter. Criteria: Invitae Variant Classification Sherloc (09022015). Collection method: clinical testing. Allele origin: germline.
Comment: For these reasons, this variant has been classified as Pathogenic. This variant has not been reported in the literature in individuals affected with TYRP1-related conditions. This variant is not present in population databases (gnomAD no frequency). This sequence change creates a premature translational stop signal (p.Pro310Glnfs*75) in the TYRP1 gene. It is expected to result in an absent or disrupted protein product. Loss-of-function variants in TYRP1 are known to be pathogenic (PMID: 8651291, 9345097).

Literature cited by the submitters: PubMed 8651291; PubMed 9345097.

NM_000550.3(TYRP1):c.927del (p.Pro310fs)

Genes: LURAP1L-AS1 (LURAP1L antisense RNA 1; minus strand), TYRP1 (tyrosinase related protein 1; plus strand). Cytogenetic location: 9p23.
Variant type: Deletion.
Coding change: c.927del on transcript NM_000550.3 (MANE Select); coding-DNA position 927, one base deleted (G; older notation c.927delG).
Protein change: p.Pro310fs; shifts the reading frame from proline 310.
Molecular consequence: frameshift variant.
Genome position (GRCh38, 1-based): chr9:12,702,284, G deleted; the last of 3 consecutive G bases (chr9:12,702,282-12,702,284); deleting any one gives the same sequence. VCF-style (leftmost placement, unchanged base first): chr9-12702281-TG-T. GRCh37 (hg19) VCF-style: chr9-12702281-TG-T.
Other names: short protein forms P310fs.
Identifiers: ClinVar variation 2993195 (VCV002993195.3), dbSNP rs1806987019, ClinGen allele CA1121429202.